The following is an entry in ClinVar:

ClinVar aggregate classification (germline): Conflicting classifications of pathogenicity. Review status: criteria provided, conflicting classifications (1 of 4 stars). 10 submissions from 10 submitters: Uncertain significance (3); Benign (3); Likely benign (1). 3 of the submissions do not count toward it. Last evaluated 2026-01-19.

Conditions:
GJB3-related disorder. Also called: GJB3-related condition.
Erythrokeratodermia variabilis et progressiva 1 (EKVP1). Also called: ERYTHROKERATODERMIA FIGURATA, CONGENITAL FAMILIAL, IN PLAQUES; ERYTHROKERATODERMIA VARIABILIS WITH ERYTHEMA GYRATUM REPENS; ERYTHROKERATODERMIA, PROGRESSIVE SYMMETRIC. Identifiers: Orphanet 317, MedGen C4551486, MONDO:0033010, OMIM 133200.

Allele frequency attached by ClinVar (database versions not stated): 1000 Genomes Project 0.00020; 1000 Genomes Project 30x 0.00031; ESP Exome Variant Server 0.00046; TOPMed 0.00108.

Submissions (10):

Labcorp Genetics (formerly Invitae), Labcorp
Classification: Benign. Last evaluated: 2026-01-19. Review status: criteria provided, single submitter. Criteria: Invitae Variant Classification Sherloc (09022015). Collection method: clinical testing. Allele origin: germline.

Blueprint Genetics
Classification: Uncertain significance. Last evaluated: 2024-09-19. Review status: criteria provided, single submitter. Criteria: ACMG Guidelines, 2015. Collection method: clinical testing. Allele origin: germline.

CeGaT Center for Human Genetics Tuebingen
Classification: Uncertain significance. Last evaluated: 2022-08-01. Review status: criteria provided, single submitter. Criteria: CeGaT Center For Human Genetics Tuebingen Variant Classification Criteria Version 2. Collection method: clinical testing. Allele origin: germline. Affected: yes. Observed: 2 variant alleles.

GeneDx
Classification: Benign. Last evaluated: 2020-02-04. Review status: criteria provided, single submitter. Criteria: GeneDx Variant Classification Process June 2021. Collection method: clinical testing. Allele origin: germline. Affected: yes.
Comment: In silico analysis, which includes protein predictors and evolutionary conservation, supports a deleterious effect; Has not been previously published as pathogenic or benign to our knowledge; Has been observed at GeneDx in two unrelated individuals with hearing loss with pathogenic GJB2 variants

Athena Diagnostics
Classification: Likely benign. Last evaluated: 2018-08-30. Review status: criteria provided, single submitter. Criteria: Athena Diagnostics Criteria. Collection method: clinical testing. Allele origin: germline.

Illumina Laboratory Services, Illumina
Classification: Benign for Erythrokeratodermia variabilis et progressiva 1. Last evaluated: 2018-01-12. Review status: criteria provided, single submitter. Criteria: ICSL Variant Classification Criteria 13 December 2019. Collection method: clinical testing. Allele origin: germline.
Comment: This variant was observed in the ICSL laboratory as part of a predisposition screen in an ostensibly healthy population. It had not been previously curated by ICSL or reported in the Human Gene Mutation Database (HGMD: prior to June 1st, 2018), and was therefore a candidate for classification through an automated scoring system. Utilizing variant allele frequency, disease prevalence and penetrance estimates, and inheritance mode, an automated score was calculated to assess if this variant is too frequent to cause the disease. Based on the score and internal cut-off values, a variant classified as benign is not then subjected to further curation. The score for this variant resulted in a classification of benign for this disease.

Laboratory for Molecular Medicine, Mass General Brigham Personalized Medicine
Classification: Uncertain significance. Last evaluated: 2014-11-07. Review status: criteria provided, single submitter. Criteria: LMM Criteria. Collection method: clinical testing. Allele origin: germline. Observed: 1 variant allele.
Comment: Variant classified as Uncertain Significance - Favor Benign. The p.Arg160His var iant in GJB3 has not been previously reported in individuals with hearing loss, but has been identified in 4/8600 European American chromosomes by the NHLBI Exo me Sequencing Project and in 0.8% (1/128) of Mexican ancestry chromosomes by the 1000 Genomes Project (dbSNP rs200055020). A lthough this variant has been seen in the general population, its frequency is n ot high enough to rule out a pathogenic role. Computational prediction tools and conservation analysis do not provide strong support for or against an impact to the protein. In summary, while the clinical significance of the p.Arg160His var iant is uncertain, the frequency data suggest that it is more likely to be benig n.

PreventionGenetics, part of Exact Sciences
Classification: Benign for GJB3-related condition. Last evaluated: 2020-02-10. Review status: no assertion criteria provided. Collection method: clinical testing. Allele origin: germline. Not counted in ClinVar's aggregate classification.
Comment: This variant is classified as benign based on ACMG/AMP sequence variant interpretation guidelines (Richards et al. 2015 PMID: 25741868, with internal and published modifications).

Clinical Genetics, Academic Medical Center
Classification: Likely benign. Review status: no assertion criteria provided. Collection method: clinical testing. Allele origin: germline. Affected: yes. Study: VKGL Data-share Consensus. Not counted in ClinVar's aggregate classification.

Genome Diagnostics Laboratory, University Medical Center Utrecht
Classification: Likely benign. Review status: no assertion criteria provided. Collection method: clinical testing. Allele origin: germline. Affected: yes. Study: VKGL Data-share Consensus. Not counted in ClinVar's aggregate classification.

Literature cited by the submitters: PubMed 27068579 (cited by Athena Diagnostics).

NM_024009.3(GJB3):c.479G>A (p.Arg160His)

Gene: GJB3 (gap junction protein beta 3; plus strand). Cytogenetic location: 1p34.3.
Variant type: single nucleotide variant.
Coding change: c.479G>A on transcript NM_024009.3 (MANE Select); coding-DNA position 479, G replaced by A.
Protein change: p.Arg160His; replaces arginine 160 with histidine.
Molecular consequence: missense variant.
Genome position (GRCh38, 1-based): chr1:34,785,241, G>A. VCF-style: chr1-34785241-G-A. GRCh37 (hg19) VCF-style: chr1-35250842-G-A.
Other names: c.479G>A, p.Arg160His (NM_001005752.2); short protein forms R160H.
Identifiers: ClinVar variation 178351 (VCV000178351.57), dbSNP rs200055020, ClinGen allele CA182158.